The following is an entry in ClinVar:

ClinVar aggregate classification (germline): Pathogenic (1 of 4 stars; one submission).

Submission:

Labcorp Genetics (formerly Invitae), Labcorp
Classification: Pathogenic. Last evaluated: 2023-06-09. Review status: criteria provided, single submitter. Criteria: Invitae Variant Classification Sherloc (09022015). Collection method: clinical testing. Allele origin: germline.
Comment: ClinVar contains an entry for this variant (Variation ID: 1411259). For these reasons, this variant has been classified as Pathogenic. This variant has not been reported in the literature in individuals affected with MTTP-related conditions. This variant is not present in population databases (gnomAD no frequency). This sequence change creates a premature translational stop signal (p.Leu28*) in the MTTP gene. It is expected to result in an absent or disrupted protein product. Loss-of-function variants in MTTP are known to be pathogenic (PMID: 8533758, 9671739).

Literature cited by the submitters: PubMed 8533758; PubMed 9671739.

NM_001386140.1(MTTP):c.83T>G (p.Leu28Ter)

Gene: MTTP (microsomal triglyceride transfer protein; plus strand). Cytogenetic location: 4q23.
Variant type: single nucleotide variant.
Coding change: c.83T>G on transcript NM_001386140.1 (MANE Select); coding-DNA position 83, T replaced by G.
Protein change: p.Leu28Ter; replaces leucine 28 with a stop codon.
Molecular consequence: nonsense. On other transcripts: 5 prime UTR variant (1).
Genome position (GRCh38, 1-based): chr4:99,581,926, T>G. VCF-style: chr4-99581926-T-G. GRCh37 (hg19) VCF-style: chr4-100503083-T-G.
Other names: c.83T>G, p.Leu28Ter (NM_000253.4); c.-167T>G (NM_001300785.2); short protein forms L28*.
Identifiers: ClinVar variation 1411259 (VCV001411259.6), dbSNP rs2110211759, ClinGen allele CA357500554.
Genomic context (GRCh38, chr4:99,581,926, plus strand): 5'-TACAATGAAAACTGGATATGTGTCATTATCTTTATGCAGGTCACACAACTGGTCTCTCAT[T>G]AAATAATGACCGGCTGTACAAGCTCACGTACTCCACTGAAGTTCTTCTTGATCGGGGCAA-3'